The following is an entry in ClinVar:

ClinVar aggregate classification (germline): Uncertain significance (1 of 4 stars; one submission).

Submission:

Labcorp Genetics (formerly Invitae), Labcorp
Classification: Uncertain significance. Last evaluated: 2021-05-17. Review status: criteria provided, single submitter. Criteria: Invitae Variant Classification Sherloc (09022015). Collection method: clinical testing. Allele origin: germline.
Comment: This sequence change replaces glutamine with histidine at codon 349 of the ERCC5 protein (p.Gln349His). The glutamine residue is moderately conserved and there is a small physicochemical difference between glutamine and histidine. This variant is not present in population databases (ExAC no frequency). This variant has not been reported in the literature in individuals with ERCC5-related conditions. In summary, the available evidence is currently insufficient to determine the role of this variant in disease. Therefore, it has been classified as a Variant of Uncertain Significance. Algorithms developed to predict the effect of missense changes on protein structure and function are either unavailable or do not agree on the potential impact of this missense change (SIFT: "Deleterious"; PolyPhen-2: "Probably Damaging"; Align-GVGD: "Class C0").

NM_000123.4(ERCC5):c.1047A>C (p.Gln349His)

Genes: BIVM-ERCC5 (BIVM-ERCC5 readthrough; plus strand), ERCC5 (ERCC excision repair 5, endonuclease; plus strand). Cytogenetic location: 13q33.1.
Variant type: single nucleotide variant.
Coding change: c.1047A>C on transcript NM_000123.4 (MANE Select); coding-DNA position 1047, A replaced by C.
Protein change: p.Gln349His; replaces glutamine 349 with histidine.
Molecular consequence: missense variant.
Genome position (GRCh38, 1-based): chr13:102,862,196, A>C. VCF-style: chr13-102862196-A-C. GRCh37 (hg19) VCF-style: chr13-103514546-A-C.
Other names: c.2409A>C, p.Gln803His (NM_001204425.2); short protein forms Q349H, Q803H.
Identifiers: ClinVar variation 1491633 (VCV001491633.8), dbSNP rs2140527051, ClinGen allele CA388571903.
Genomic context (GRCh38, chr13:102,862,196, plus strand): 5'-GAAGACAGAGAAAGAGCCTGATGCTACCCCTCCTTCTCCAAGAACTTTACTAGCTATGCA[A>C]GCTGCCCTGCTGGGAAGTAGCTCAGAAGAGGAGCTGGAGAGTGAAAATCGAAGGCAGGCC-3'
Protein context (NP_000114.3, residues 339-359): PPSPRTLLAM[Gln349His]AALLGSSSEE